The following is an entry in ClinVar:

NM_000388.4(CASR):c.3059A>C (p.Glu1020Ala)

Gene: CASR (calcium sensing receptor; plus strand). Cytogenetic location: 3q21.1.
Variant type: single nucleotide variant.
Coding change: c.3059A>C on transcript NM_000388.4 (MANE Select); coding-DNA position 3059, A replaced by C.
Protein change: p.Glu1020Ala; replaces glutamic acid 1020 with alanine.
Molecular consequence: missense variant.
Genome position (GRCh38, 1-based): chr3:122,285,013, A>C. VCF-style: chr3-122285013-A-C. GRCh37 (hg19) VCF-style: chr3-122003860-A-C.
Other names: c.3089A>C, p.Glu1030Ala (NM_001178065.2); short protein forms E1020A, E1030A.
Identifiers: ClinVar variation 3757810 (VCV003757810.2).

ClinVar aggregate classification (germline): Uncertain significance (1 of 4 stars; one submission).

Conditions:
Autosomal dominant hypocalcemia 1 (HYPOC1). Also called: HYPOCALCEMIA, FAMILIAL. Identifiers: MedGen C3715128, MONDO:0011013, OMIM 601198.
Familial hypocalciuric hypercalcemia (FHH). Also called: Familial benign hypercalcemia. Identifiers: Orphanet 405, MedGen C1809471, MONDO:0018458.

Submission:

Labcorp Genetics (formerly Invitae), Labcorp
Classification: Uncertain significance for Familial hypocalciuric hypercalcemia; Autosomal dominant hypocalcemia 1. Last evaluated: 2024-08-24. Review status: criteria provided, single submitter. Criteria: Invitae Variant Classification Sherloc (09022015). Collection method: clinical testing. Allele origin: germline.
Comment: This sequence change replaces glutamic acid, which is acidic and polar, with alanine, which is neutral and non-polar, at codon 1020 of the CASR protein (p.Glu1020Ala). This variant is not present in population databases (gnomAD no frequency). This variant has not been reported in the literature in individuals affected with CASR-related conditions. An algorithm developed to predict the effect of missense changes on protein structure and function (PolyPhen-2) suggests that this variant is likely to be tolerated. In summary, the available evidence is currently insufficient to determine the role of this variant in disease. Therefore, it has been classified as a Variant of Uncertain Significance.